The following is an entry in ClinVar:

ClinVar aggregate classification (germline): Uncertain significance (1 of 4 stars; one submission).

Conditions:
Trigonocephaly-short stature-developmental delay syndrome. Also called: Say Meyer syndrome; Trigonocephaly, short stature and developmental delay; Trigonocephaly, short stature, and retarded psychomotor development; TRIGONOCEPHALY WITH SHORT STATURE AND DEVELOPMENTAL DELAY. Identifiers: Orphanet 3369, MedGen C1839125, MONDO:0010749, OMIM 314320.

Submission:

3billion
Classification: Uncertain significance for Trigonocephaly-short stature-developmental delay syndrome. Last evaluated: 2021-10-25. Review status: criteria provided, single submitter. Criteria: ACMG Guidelines, 2015. Collection method: clinical testing. Allele origin: unknown. Affected: yes. Observed: 1 hemizygote.
Comment: This varant is not observed in the gnomAD v2.1.1 dataset (PM2).In silico tools predict the variant to alter splicing and produce an abnormal transcript (SpliceAI:0.5). Therefore, this variant is classified as uncertain significance according to the recommendation of ACMG/AMP guideline.

NM_031407.7(HUWE1):c.12137+4A>G

Gene: HUWE1 (HECT, UBA and WWE domain containing E3 ubiquitin protein ligase 1; minus strand). Cytogenetic location: Xp11.22.
Variant type: single nucleotide variant.
Coding change: c.12137+4A>G on transcript NM_031407.7 (MANE Select); 4 bases into the intron after coding-DNA position 12137, A replaced by G.
Molecular consequence: intron variant.
Genome position (GRCh38, 1-based): chrX:53,537,552, T>C on the plus strand (A>G on the coding strand, the complement: HUWE1 is on the minus strand). VCF-style: chrX-53537552-T-C. GRCh37 (hg19) VCF-style: chrX-53564513-T-C.
Identifiers: ClinVar variation 1321270 (VCV001321270.1), dbSNP rs2146914385, ClinGen allele CA2573055367.
Genomic context (GRCh38, chrX:53,537,552, plus strand): 5'-ATCGCTACTGTGCAGGAGGCCCCACCTCCCACCCGCCATCTTTTCTCCGTTCCTGGGCCC[T>C]TACAATCGATTCTTCATTTCTTCGGGGGATTTGCGATGCAGCTCACGATAGGAGTCTTCA-3'